The following is an entry in ClinVar:

ClinVar aggregate classification (germline): Uncertain significance (1 of 4 stars; one submission).

Conditions:
Gastrointestinal stromal tumor. Also called: Gastrointestinal stromal tumor, somatic; Gastrointestinal stroma tumor. Identifiers: Orphanet 44890, MedGen C0238198, MeSH D046152, MONDO:0011719, OMIM 606764, HP:0100723.

Submission:

Labcorp Genetics (formerly Invitae), Labcorp
Classification: Uncertain significance for Gastrointestinal stromal tumor. Last evaluated: 2019-11-13. Review status: criteria provided, single submitter. Criteria: Invitae Variant Classification Sherloc (09022015). Collection method: clinical testing. Allele origin: germline.
Comment: This sequence change replaces proline with leucine at codon 1023 of the PDGFRA protein (p.Pro1023Leu). The proline residue is highly conserved and there is a moderate physicochemical difference between proline and leucine. This variant is not present in population databases (ExAC no frequency). This variant has not been reported in the literature in individuals with PDGFRA-related conditions. Algorithms developed to predict the effect of missense changes on protein structure and function are either unavailable or do not agree on the potential impact of this missense change (SIFT: "Deleterious"; PolyPhen-2: "Probably Damaging"; Align-GVGD: "Class C0"). In summary, the available evidence is currently insufficient to determine the role of this variant in disease. Therefore, it has been classified as a Variant of Uncertain Significance.

NM_006206.6(PDGFRA):c.3068C>T (p.Pro1023Leu)

Gene: PDGFRA (platelet derived growth factor receptor alpha; plus strand). Cytogenetic location: 4q12.
Variant type: single nucleotide variant.
Coding change: c.3068C>T on transcript NM_006206.6 (MANE Select); coding-DNA position 3068, C replaced by T.
Protein change: p.Pro1023Leu; replaces proline 1023 with leucine.
Molecular consequence: missense variant.
Genome position (GRCh38, 1-based): chr4:54,290,500, C>T. VCF-style: chr4-54290500-C-T. GRCh37 (hg19) VCF-style: chr4-55156667-C-T.
Other names: c.3143C>T, p.Pro1048Leu (NM_001347828.2); c.3068C>T, p.Pro1023Leu (NM_001347829.2); c.3107C>T, p.Pro1036Leu (NM_001347830.2); short protein forms P1023L, P1036L, P1048L.
Identifiers: ClinVar variation 959899 (VCV000959899.10), dbSNP rs1724574803, ClinGen allele CA356896311.
Genomic context (GRCh38, chr4:54,290,500, plus strand): 5'-GGGAGGGTGGTCTGGATGAGCAGAGACTGAGCGCTGACAGTGGCTACATCATTCCTCTGC[C>T]TGACATTGACCCTGTCCCTGAGGAGGAGGACCTGGGCAAGAGGAACAGACACAGGTAGCT-3'
Protein context (NP_006197.1, residues 1013-1033): SADSGYIIPL[Pro1023Leu]DIDPVPEEED